The following is an entry in ClinVar:

NM_138773.4(SLC25A46):c.9G>A (p.Pro3=)

Gene: SLC25A46 (solute carrier family 25 member 46; plus strand). Cytogenetic location: 5q22.1.
Variant type: single nucleotide variant.
Coding change: c.9G>A on transcript NM_138773.4 (MANE Select); coding-DNA position 9, G replaced by A.
Protein change: p.Pro3=; no amino-acid change (proline 3 retained).
Molecular consequence: synonymous variant. On other transcripts: non-coding transcript variant (1), intron variant (1).
Genome position (GRCh38, 1-based): chr5:110,739,128, G>A. VCF-style: chr5-110739128-G-A. GRCh37 (hg19) VCF-style: chr5-110074829-G-A.
Other names: c.9G>A, p.Pro3= (NM_001303249.3); c.10+881G>A (NM_001303250.3); c.9G>A (NM_138773.3).
Identifiers: ClinVar variation 2084857 (VCV002084857.6), dbSNP rs993458791, ClinGen allele CA125342527.

ClinVar aggregate classification (germline): Likely benign. Review status: criteria provided, multiple submitters, no conflicts (2 of 4 stars). 3 submissions from 3 submitters: Likely benign (3). Last evaluated 2026-07-01.

Conditions:
SLC25A46-related disorder. Also called: SLC25A46-related condition.
Neuropathy, hereditary motor and sensory, type 6B (HMSN6B). Also called: Neuropathy, hereditary motor and sensory, type VIB; HMSN VIB; CHARCOT-MARIE-TOOTH DISEASE, TYPE 6B; NEUROPATHY, HEREDITARY MOTOR AND SENSORY, TYPE VIB, WITH OPTIC ATROPHY. Identifiers: MedGen C4225302, MONDO:0014671, OMIM 616505.

Allele frequency attached by ClinVar (database versions not stated): gnomAD 0.00003; TOPMed 0.00003.
gnomAD v4.1: 34 of 1,547,488 alleles (0.0022%); highest among the groups gnomAD compares: Non-Finnish European, 0.00044%; no homozygotes.

Submissions (3):

CeGaT Center for Human Genetics Tuebingen
Classification: Likely benign. Last evaluated: 2026-07-01. Review status: criteria provided, single submitter. Criteria: CeGaT Center For Human Genetics Tuebingen Variant Classification Criteria Version 2. Collection method: clinical testing. Allele origin: germline. Affected: yes. Observed: 1 variant allele.
Comment: SLC25A46: BP4, BP7

PreventionGenetics, part of Exact Sciences
Classification: Likely benign for SLC25A46-related condition. Last evaluated: 2026-03-24. Review status: criteria provided, single submitter. Criteria: ACMG Guidelines, 2015. Collection method: clinical testing. Allele origin: germline.
Comment: This variant is classified as likely benign based on ACMG/AMP sequence variant interpretation guidelines (Richards et al. 2015 PMID: 25741868, with internal and published modifications).

Labcorp Genetics (formerly Invitae), Labcorp
Classification: Likely benign for Neuropathy, hereditary motor and sensory, type 6B. Last evaluated: 2026-01-20. Review status: criteria provided, single submitter. Criteria: Invitae Variant Classification Sherloc (09022015). Collection method: clinical testing. Allele origin: germline.